The following is an entry in ClinVar:

ClinVar aggregate classification (germline): Uncertain significance (1 of 4 stars; one submission).

Conditions:
T-B+ severe combined immunodeficiency due to JAK3 deficiency. Also called: SCID, T CELL-NEGATIVE, B CELL-POSITIVE, NK CELL-NEGATIVE; SCID, autosomal recessive, T-negative/B-positive type. Identifiers: Orphanet 35078, MedGen C1833275, MONDO:0010938, OMIM 600802.

Allele frequency attached by ClinVar (database versions not stated): gnomAD exomes below 0.00001.

Submission:

Labcorp Genetics (formerly Invitae), Labcorp
Classification: Uncertain significance for T-B+ severe combined immunodeficiency due to JAK3 deficiency. Last evaluated: 2020-06-26. Review status: criteria provided, single submitter. Criteria: Invitae Variant Classification Sherloc (09022015). Collection method: clinical testing. Allele origin: germline.
Comment: This variant is not present in population databases (ExAC no frequency). This variant has not been reported in the literature in individuals with JAK3-related conditions. Algorithms developed to predict the effect of missense changes on protein structure and function are either unavailable or do not agree on the potential impact of this missense change (SIFT: "Tolerated"; PolyPhen-2: "Possibly Damaging"; Align-GVGD: "Class C0"). In summary, the available evidence is currently insufficient to determine the role of this variant in disease. Therefore, it has been classified as a Variant of Uncertain Significance. This sequence change replaces aspartic acid with asparagine at codon 123 of the JAK3 protein (p.Asp123Asn). The aspartic acid residue is moderately conserved and there is a small physicochemical difference between aspartic acid and asparagine.

NM_000215.4(JAK3):c.367G>A (p.Asp123Asn)

Gene: JAK3 (Janus kinase 3; minus strand). Cytogenetic location: 19p13.11.
Variant type: single nucleotide variant.
Coding change: c.367G>A on transcript NM_000215.4 (MANE Select); coding-DNA position 367, G replaced by A.
Protein change: p.Asp123Asn; replaces aspartic acid 123 with asparagine.
Molecular consequence: missense variant.
Genome position (GRCh38, 1-based): chr19:17,843,433, C>T on the plus strand (G>A on the coding strand, the complement: JAK3 is on the minus strand). VCF-style: chr19-17843433-C-T. GRCh37 (hg19) VCF-style: chr19-17954242-C-T.
Other names: short protein forms D123N.
Identifiers: ClinVar variation 1039179 (VCV001039179.8), dbSNP rs201419310, ClinGen allele CA306141504.
Genomic context (GRCh38, chr19:17,843,433, plus strand): 5'-ACCCCACCTGGGCAAAGAGGTGCTCCAGGACTGGCAGGTCAAGGATAGCACTGGCCAAAT[C>T]CTTGCGTAGCCCGAAGCGGTGGCACTTCTCCAGCCCAAACCAATTGGGGAAGTAAAAGCT-3'
Protein context (NP_000206.2, residues 113-133): EKCHRFGLRK[Asp123Asn]LASAILDLPV